The following is an entry in ClinVar:

NM_017849.4(TMEM127):c.293C>A (p.Ala98Asp)

Gene: TMEM127 (transmembrane protein 127; minus strand). Cytogenetic location: 2q11.2.
Variant type: single nucleotide variant.
Coding change: c.293C>A on transcript NM_017849.4 (MANE Select); coding-DNA position 293, C replaced by A.
Protein change: p.Ala98Asp; replaces alanine 98 with aspartic acid.
Molecular consequence: missense variant.
Genome position (GRCh38, 1-based): chr2:96,254,949, G>T on the plus strand (C>A on the coding strand, the complement: TMEM127 is on the minus strand). VCF-style: chr2-96254949-G-T. GRCh37 (hg19) VCF-style: chr2-96920687-G-T.
Other names: c.293C>A, p.Ala98Asp (NM_001193304.3); c.41C>A, p.Ala14Asp (NM_001407282.1, NM_001407283.1); short protein forms A14D, A98D.
Identifiers: ClinVar variation 5030914 (VCV005030914.1).
Genomic context (GRCh38, chr2:96,254,949, plus strand): 5'-GGCCCAAAGACATCCAGAAGGAAAGCGGAGAGACTACACAGGATGCCCAGGAAACAGAAG[G>T]CGGCGATGACCCGCAGGAGCAGCACTGTCTGGGGATTCATGCAGAAATCTGTAGAGGGAG-3'
Protein context (NP_060319.1, residues 88-108): QTVLLLRVIA[Ala98Asp]FCFLGILCSL

ClinVar aggregate classification (germline): Uncertain significance (1 of 4 stars; one submission).

Conditions:
Hereditary cancer-predisposing syndrome. Also called: Neoplastic Syndromes, Hereditary; Tumor predisposition; Hereditary neoplastic syndrome; Hereditary Cancer Syndrome. Identifiers: Orphanet 140162, MedGen C0027672, MeSH D009386, MONDO:0015356.

gnomAD v4.1: 4 of 1,614,238 alleles (0.00025%); highest among the groups gnomAD compares: Non-Finnish European, 0.00034%; no homozygotes.

Submission:

Ambry Genetics
Classification: Uncertain significance for Hereditary cancer-predisposing syndrome. Last evaluated: 2026-07-07. Review status: criteria provided, single submitter. Criteria: Ambry Variant Classification Scheme 2023. Collection method: clinical testing. Allele origin: germline.
Comment: The p.A98D variant (also known as c.293C>A), located in coding exon 2 of the TMEM127 gene, results from a C to A substitution at nucleotide position 293. The alanine at codon 98 is replaced by aspartic acid, an amino acid with dissimilar properties. This amino acid position is conserved. In addition, the in silico prediction for this alteration is inconclusive. Based on the available evidence, the clinical significance of this variant remains unclear.